The following is an entry in ClinVar:

ClinVar aggregate classification (germline): Pathogenic/Likely pathogenic. Review status: criteria provided, multiple submitters, no conflicts (2 of 4 stars). 4 submissions from 4 submitters: Pathogenic (2); Likely pathogenic (1). 1 of the submissions does not count toward it. Last evaluated 2024-02-06.

Conditions:
Gastric cancer. Also called: Malignant tumor of stomach; Stomach cancer. Identifiers: MedGen C0024623, MeSH D013274, MONDO:0001056, OMIM 613659, HP:0012126.
Hereditary breast ovarian cancer syndrome. Also called: Hereditary breast and/or ovarian cancer syndrome; Hereditary breast and ovarian cancer syndrome; Hereditary breast and ovarian cancer syndrome (HBOC); Hereditary breast and ovarian cancer; BRCA1- and BRCA2-Associated Hereditary Breast and Ovarian Cancer; Breast and ovarian cancer. Identifiers: Orphanet 145, MedGen C0677776, MeSH D061325, MONDO:0003582. Disease mechanism: loss of function.
Breast-ovarian cancer, familial, susceptibility to, 2 (BROVCA2). Also called: BRCA2 Hereditary Breast and Ovarian Cancer. Identifiers: Orphanet 145, MedGen C2675520, MONDO:0012933, OMIM 612555. Disease mechanism: loss of function.

Submissions (4):

Myriad Genetics, Inc.
Classification: Likely pathogenic for Breast-ovarian cancer, familial, susceptibility to, 2. Last evaluated: 2024-02-06. Review status: criteria provided, single submitter. Criteria: Myriad Autosomal Dominant, Autosomal Recessive and X-Linked Classification Criteria (2023). Collection method: clinical testing. Allele origin: unknown.
Comment: This variant is considered likely pathogenic. This variant occurs within a consensus splice junction and is predicted to result in abnormal mRNA splicing of either an out-of-frame exon or an in-frame exon necessary for protein stability and/or normal function.

Labcorp Genetics (formerly Invitae), Labcorp
Classification: Pathogenic for Hereditary breast ovarian cancer syndrome. Last evaluated: 2020-07-30. Review status: criteria provided, single submitter. Criteria: Invitae Variant Classification Sherloc (09022015). Collection method: clinical testing. Allele origin: germline.
Comment: For these reasons, this variant has been classified as Pathogenic. Donor and acceptor splice site variants typically lead to a loss of protein function (PMID: 16199547), and loss-of-function variants in BRCA2 are known to be pathogenic (PMID: 20104584). Experimental studies have shown that disruption of this splice site affects mRNA splicing (PMID: 30883759). This variant has been observed in a family with high risk of breast and/or ovarian cancer (PMID: 29446198). ClinVar contains an entry for this variant (Variation ID: 267687). This variant is not present in population databases (ExAC no frequency). This sequence change affects a donor splice site in intron 9 of the BRCA2 gene. It is expected to disrupt RNA splicing and likely results in an absent or disrupted protein product.

Consortium of Investigators of Modifiers of BRCA1/2 (CIMBA), c/o University of Cambridge
Classification: Pathogenic for Breast-ovarian cancer, familial, susceptibility to, 2. Last evaluated: 2015-10-02. Review status: criteria provided, single submitter. Criteria: CIMBA Mutation Classification guidelines May 2016. Collection method: clinical testing. Allele origin: germline.

Laboratory for Genotyping Development, RIKEN
Classification: Pathogenic for Gastric cancer. Last evaluated: 2021-07-01. Review status: no assertion criteria provided. Collection method: research. Allele origin: germline. Not counted in ClinVar's aggregate classification.

Literature cited by the submitters: PubMed 16199547 (cited by Labcorp Genetics (formerly Invitae), Labcorp); PubMed 20104584 (cited by Labcorp Genetics (formerly Invitae), Labcorp); PubMed 30883759 (cited by Labcorp Genetics (formerly Invitae), Labcorp); PubMed 29446198 (cited by Labcorp Genetics (formerly Invitae), Labcorp); PubMed 36988593 (cited by Laboratory for Genotyping Development, RIKEN).

NM_000059.4(BRCA2):c.793+2T>G

Gene: BRCA2 (BRCA2 DNA repair associated; plus strand). Cytogenetic location: 13q13.1.
Variant type: single nucleotide variant.
Coding change: c.793+2T>G on transcript NM_000059.4 (MANE Select); the canonical splice donor site of the intron after coding-DNA position 793, T replaced by G.
Molecular consequence: splice donor variant.
Genome position (GRCh38, 1-based): chr13:32,331,032, T>G. VCF-style: chr13-32331032-T-G. GRCh37 (hg19) VCF-style: chr13-32905169-T-G.
Other names: c.793+2T>G (NM_001406720.1, NM_001406719.1, NM_001406721.1); c.424+2T>G (NM_001406722.1).
Identifiers: ClinVar variation 267687 (VCV000267687.27), dbSNP rs886040942, ClinGen allele CA10602527.